The following is an entry in ClinVar:

NM_005359.6(SMAD4):c.1203C>T (p.Cys401=)

Gene: SMAD4 (SMAD family member 4; plus strand). Cytogenetic location: 18q21.2.
Variant type: single nucleotide variant.
Coding change: c.1203C>T on transcript NM_005359.6 (MANE Select); coding-DNA position 1203, C replaced by T.
Protein change: p.Cys401=; no amino-acid change (cysteine 401 retained).
Molecular consequence: synonymous variant. On other transcripts: non-coding transcript variant (1).
Genome position (GRCh38, 1-based): chr18:51,067,082, C>T. VCF-style: chr18-51067082-C-T. GRCh37 (hg19) VCF-style: chr18-48593452-C-T.
Other names: c.1203C>T, p.Cys401= (NM_001407041.1, NM_001407042.1).
Identifiers: ClinVar variation 3903798 (VCV003903798.2).

ClinVar aggregate classification (germline): Benign/Likely benign. Review status: criteria provided, multiple submitters, no conflicts (2 of 4 stars). 2 submissions from 2 submitters: Benign (1); Likely benign (1). Last evaluated 2025-05-26.

Conditions:
Juvenile polyposis/hereditary hemorrhagic telangiectasia syndrome (JPHT). Also called: JP/HHT SYNDROME; JUVENILE POLYPOSIS WITH HEREDITARY HEMORRHAGIC TELANGIECTASIA; POLYPOSIS, GENERALIZED JUVENILE, WITH PULMONARY ARTERIOVENOUS MALFORMATION; TELANGIECTASIA, HEREDITARY HEMORRHAGIC, WITH JUVENILE POLYPOSIS COLI; Juvenile Polyposis Syndrome / Hereditary Hemorrhagic Telangiectasia (JPS/HHT). Identifiers: Orphanet 2929, MedGen C1832942, MONDO:0008278, OMIM 175050.
Familial thoracic aortic aneurysm and aortic dissection (TAAD). Also called: Thoracic aortic aneurysms and dissections. Identifiers: Orphanet 91387, MedGen C4707243, MONDO:0019625.
Hereditary cancer-predisposing syndrome. Also called: Neoplastic Syndromes, Hereditary; Tumor predisposition; Hereditary neoplastic syndrome; Hereditary Cancer Syndrome. Identifiers: Orphanet 140162, MedGen C0027672, MeSH D009386, MONDO:0015356.

Submissions (2):

Ambry Genetics
Classification: Likely benign for Hereditary cancer-predisposing syndrome; Familial thoracic aortic aneurysm and aortic dissection. Last evaluated: 2025-05-26. Review status: criteria provided, single submitter. Criteria: Ambry Variant Classification Scheme 2023. Collection method: clinical testing. Allele origin: germline.

Myriad Genetics, Inc.
Classification: Benign for Juvenile polyposis/hereditary hemorrhagic telangiectasia syndrome. Last evaluated: 2025-03-21. Review status: criteria provided, single submitter. Criteria: Myriad Autosomal Dominant, Autosomal Recessive and X-Linked Classification Criteria (2023). Collection method: clinical testing. Allele origin: unknown.
Comment: This variant is considered benign. This variant is a silent/synonymous amino acid change and it is not expected to impact splicing.